The following is an entry in ClinVar:

NM_002470.4(MYH3):c.4647+5G>A

Gene: MYH3 (myosin heavy chain 3; minus strand). Cytogenetic location: 17p13.1.
Variant type: single nucleotide variant.
Coding change: c.4647+5G>A on transcript NM_002470.4 (MANE Select); 5 bases into the intron after coding-DNA position 4647, G replaced by A.
Molecular consequence: intron variant.
Genome position (GRCh38, 1-based): chr17:10,633,586, C>T on the plus strand (G>A on the coding strand, the complement: MYH3 is on the minus strand). VCF-style: chr17-10633586-C-T. GRCh37 (hg19) VCF-style: chr17-10536903-C-T.
Identifiers: ClinVar variation 2035863 (VCV002035863.4), dbSNP rs2508575672, ClinGen allele CA2580092527.
Genomic context (GRCh38, chr17:10,633,586, plus strand): 5'-CCAGCCTCCCTGGCCGTGGCTCACCATGGCTGCATCTGCGCCTGAGCCTGCCTCCCAGCA[C>T]TCACCTCTGCTTCCTCGAGAGCCAGCTGGATATCAGCCTTTTCCAGCTCAATCTGCTTTC-3'

ClinVar aggregate classification (germline): Uncertain significance (1 of 4 stars; one submission).

Submission:

Labcorp Genetics (formerly Invitae), Labcorp
Classification: Uncertain significance. Last evaluated: 2022-10-17. Review status: criteria provided, single submitter. Criteria: Invitae Variant Classification Sherloc (09022015). Collection method: clinical testing. Allele origin: germline.
Comment: In summary, the available evidence is currently insufficient to determine the role of this variant in disease. Therefore, it has been classified as a Variant of Uncertain Significance. Variants that disrupt the consensus splice site are a relatively common cause of aberrant splicing (PMID: 17576681, 9536098). Algorithms developed to predict the effect of sequence changes on RNA splicing suggest that this variant may create or strengthen a splice site. This variant has not been reported in the literature in individuals affected with MYH3-related conditions. This variant is not present in population databases (gnomAD no frequency). This sequence change falls in intron 33 of the MYH3 gene. It does not directly change the encoded amino acid sequence of the MYH3 protein. It affects a nucleotide within the consensus splice site.

Literature cited by the submitters: PubMed 17576681; PubMed 9536098.